The following is an entry in ClinVar:

ClinVar aggregate classification (germline): Uncertain significance (1 of 4 stars; one submission).

Submission:

Labcorp Genetics (formerly Invitae), Labcorp
Classification: Uncertain significance. Last evaluated: 2024-10-28. Review status: criteria provided, single submitter. Criteria: Invitae Variant Classification Sherloc (09022015). Collection method: clinical testing. Allele origin: germline.
Comment: This sequence change replaces aspartic acid, which is acidic and polar, with tyrosine, which is neutral and polar, at codon 716 of the CSF2RB protein (p.Asp716Tyr). This variant is not present in population databases (gnomAD no frequency). This variant has not been reported in the literature in individuals affected with CSF2RB-related conditions. ClinVar contains an entry for this variant (Variation ID: 2129399). Invitae Evidence Modeling of protein sequence and biophysical properties (such as structural, functional, and spatial information, amino acid conservation, physicochemical variation, residue mobility, and thermodynamic stability) indicates that this missense variant is expected to disrupt CSF2RB protein function with a positive predictive value of 80%. In summary, the available evidence is currently insufficient to determine the role of this variant in disease. Therefore, it has been classified as a Variant of Uncertain Significance.

NM_000395.3(CSF2RB):c.2146G>T (p.Asp716Tyr)

Gene: CSF2RB (colony stimulating factor 2 receptor subunit beta; plus strand). Cytogenetic location: 22q12.3.
Variant type: single nucleotide variant.
Coding change: c.2146G>T on transcript NM_000395.3 (MANE Select); coding-DNA position 2146, G replaced by T.
Protein change: p.Asp716Tyr; replaces aspartic acid 716 with tyrosine.
Molecular consequence: missense variant.
Genome position (GRCh38, 1-based): chr22:36,937,954, G>T. VCF-style: chr22-36937954-G-T. GRCh37 (hg19) VCF-style: chr22-37333996-G-T.
Other names: c.2164G>T, p.Asp722Tyr (NM_001410827.1); short protein forms D716Y, D722Y.
Identifiers: ClinVar variation 2129399 (VCV002129399.4), dbSNP rs372927280, ClinGen allele CA411410925.